The following is an entry in ClinVar:

NM_003200.5(TCF3):c.158G>A (p.Arg53Gln)

Gene: TCF3 (transcription factor 3; minus strand). Cytogenetic location: 19p13.3.
Variant type: single nucleotide variant.
Coding change: c.158G>A on transcript NM_003200.5 (MANE Select); coding-DNA position 158, G replaced by A.
Protein change: p.Arg53Gln; replaces arginine 53 with glutamine.
Molecular consequence: missense variant.
Genome position (GRCh38, 1-based): chr19:1,632,393, C>T on the plus strand (G>A on the coding strand, the complement: TCF3 is on the minus strand). VCF-style: chr19-1632393-C-T. GRCh37 (hg19) VCF-style: chr19-1632392-C-T.
Other names: c.158G>A, p.Arg53Gln (NM_001136139.4, NM_001351778.2, NM_001351779.2); short protein forms R53Q.
Identifiers: ClinVar variation 1505737 (VCV001505737.6), dbSNP rs368633375, ClinGen allele CA9050562.

ClinVar aggregate classification (germline): Uncertain significance (1 of 4 stars; one submission).

Allele frequency attached by ClinVar (database versions not stated): gnomAD exomes 0.00002 and 0.00003; gnomAD 0.00005 and 0.00006; TOPMed 0.00006; ESP Exome Variant Server 0.00008.
gnomAD v4.1: 35 of 1,594,846 alleles (0.0022%); highest among the groups gnomAD compares: African/African-American, 0.013%; no homozygotes.

Submission:

Labcorp Genetics (formerly Invitae), Labcorp
Classification: Uncertain significance. Last evaluated: 2025-11-23. Review status: criteria provided, single submitter. Criteria: Invitae Variant Classification Sherloc (09022015). Collection method: clinical testing. Allele origin: germline.
Comment: This sequence change replaces arginine, which is basic and polar, with glutamine, which is neutral and polar, at codon 53 of the TCF3 protein (p.Arg53Gln). The frequency data for this variant in the population databases is considered unreliable, as metrics indicate poor data quality at this position in the gnomAD database. This variant has not been reported in the literature in individuals affected with TCF3-related conditions. ClinVar contains an entry for this variant (Variation ID: 1505737). Invitae Evidence Modeling of protein sequence and biophysical properties (such as structural, functional, and spatial information, amino acid conservation, physicochemical variation, residue mobility, and thermodynamic stability) indicates that this missense variant is not expected to disrupt TCF3 protein function with a negative predictive value of 80%. In summary, the available evidence is currently insufficient to determine the role of this variant in disease. Therefore, it has been classified as a Variant of Uncertain Significance.